The following is an entry in ClinVar:

NM_201384.3(PLEC):c.4049T>C (p.Leu1350Pro)

Gene: PLEC (plectin; minus strand). Cytogenetic location: 8q24.3.
Variant type: single nucleotide variant.
Coding change: c.4049T>C on transcript NM_201384.3 (MANE Select); coding-DNA position 4049, T replaced by C.
Protein change: p.Leu1350Pro; replaces leucine 1350 with proline.
Molecular consequence: missense variant. On other transcripts: intron variant (1).
Genome position (GRCh38, 1-based): chr8:143,925,880, A>G on the plus strand (T>C on the coding strand, the complement: PLEC is on the minus strand). VCF-style: chr8-143925880-A-G. GRCh37 (hg19) VCF-style: chr8-145000048-A-G.
Other names: c.4061T>C, p.Leu1354Pro (NM_201383.3); c.4125+904T>C (NM_001410941.1); c.4049T>C, p.Leu1350Pro (NM_201382.4); c.4130T>C, p.Leu1377Pro (NM_000445.5); c.4007T>C, p.Leu1336Pro (NM_201378.4); c.3983T>C, p.Leu1328Pro (NM_201379.3); c.4460T>C, p.Leu1487Pro (NM_201380.4); c.3953T>C, p.Leu1318Pro (NM_201381.3); short protein forms L1336P, L1354P, L1328P, L1350P, L1487P, L1318P, L1377P.
Identifiers: ClinVar variation 2937183 (VCV002937183.3), dbSNP rs2538119872, ClinGen allele CA372561639.

ClinVar aggregate classification (germline): Uncertain significance (1 of 4 stars; one submission).

Conditions:
Epidermolysis bullosa simplex with nail dystrophy (EBS5D). Identifiers: MedGen C4225309, MONDO:0014661, OMIM 616487.
Epidermolysis bullosa simplex 5C, with pyloric atresia (EBS5C). Also called: PLEC-Related Epidermolysis Bullosa with Pyloric Atresia; Epidermolysis bullosa simplex with pyloric atresia; PLEC1-Related Epidermolysis Bullosa with Pyloric Atresia. Identifiers: Orphanet 158684, MedGen C2677349, MONDO:0012807, OMIM 612138.
Autosomal recessive limb-girdle muscular dystrophy type 2Q (LGMDR17). Also called: MUSCULAR DYSTROPHY, LIMB-GIRDLE, AUTOSOMAL RECESSIVE 17. Identifiers: Orphanet 254361, MedGen C3150989, MONDO:0013390, OMIM 613723.
Epidermolysis bullosa simplex, Ogna type (EBS5A). Also called: Pidermolysis bullosa simplex 5A, Ogna type; EPIDERMOLYSIS BULLOSA SIMPLEX 5A, OGNA TYPE. Identifiers: Orphanet 79401, MedGen C0432317, MONDO:0007555, OMIM 131950.
Epidermolysis bullosa simplex 5B, with muscular dystrophy (EBS5B). Also called: EPIDERMOLYSIS BULLOSA SIMPLEX AND LIMB-GIRDLE MUSCULAR DYSTROPHY; Epidermolysis bullosa simplex with muscular dystrophy. Identifiers: Orphanet 257, MedGen C2931072, MONDO:0009181, OMIM 226670.

Allele frequency attached by ClinVar (database versions not stated): gnomAD exomes 0.00001.
gnomAD v4.1: 6 of 1,544,246 alleles (0.00039%); highest among the groups gnomAD compares: Non-Finnish European, 0.00052%; no homozygotes.

Submission:

Labcorp Genetics (formerly Invitae), Labcorp
Classification: Uncertain significance for Autosomal recessive limb-girdle muscular dystrophy type 2Q; Epidermolysis bullosa simplex, Ogna type; Epidermolysis bullosa simplex with nail dystrophy; Epidermolysis bullosa simplex 5C, with pyloric atresia; Epidermolysis bullosa simplex 5B, with muscular dystrophy. Last evaluated: 2023-11-25. Review status: criteria provided, single submitter. Criteria: Invitae Variant Classification Sherloc (09022015). Collection method: clinical testing. Allele origin: germline.
Comment: This sequence change replaces leucine, which is neutral and non-polar, with proline, which is neutral and non-polar, at codon 1377 of the PLEC protein (p.Leu1377Pro). This variant is not present in population databases (gnomAD no frequency). This variant has not been reported in the literature in individuals affected with PLEC-related conditions. Experimental studies and prediction algorithms are not available or were not evaluated, and the functional significance of this variant is currently unknown. In summary, the available evidence is currently insufficient to determine the role of this variant in disease. Therefore, it has been classified as a Variant of Uncertain Significance.